The following is an entry in ClinVar:

ClinVar aggregate classification (germline): Uncertain significance. Review status: criteria provided, multiple submitters, no conflicts (2 of 4 stars). 2 submissions from 2 submitters: Uncertain significance (2). Last evaluated 2024-01-11.

Conditions:
Cardiovascular phenotype. Identifiers: MedGen CN230736.
Arrhythmogenic right ventricular dysplasia 5. Also called: Arrhythmogenic Right Ventricular Dysplasia/Cardiomyopathy 5; ARRHYTHMOGENIC RIGHT VENTRICULAR DYSPLASIA, FAMILIAL, 5. Identifiers: MedGen C1858379, MONDO:0011459, OMIM 604400.

Submissions (2):

Ambry Genetics
Classification: Uncertain significance for Cardiovascular phenotype. Last evaluated: 2024-01-11. Review status: criteria provided, single submitter. Criteria: Ambry Variant Classification Scheme 2023. Collection method: clinical testing. Allele origin: germline.
Comment: The p.L374P variant (also known as c.1121T>C), located in coding exon 12 of the TMEM43 gene, results from a T to C substitution at nucleotide position 1121. The leucine at codon 374 is replaced by proline, an amino acid with similar properties. This amino acid position is conserved. In addition, the in silico prediction for this alteration is inconclusive. Since supporting evidence is limited at this time, the clinical significance of this alteration remains unclear.

Labcorp Genetics (formerly Invitae), Labcorp
Classification: Uncertain significance for Arrhythmogenic right ventricular dysplasia 5. Last evaluated: 2022-08-23. Review status: criteria provided, single submitter. Criteria: Invitae Variant Classification Sherloc (09022015). Collection method: clinical testing. Allele origin: germline.
Comment: This sequence change replaces leucine, which is neutral and non-polar, with proline, which is neutral and non-polar, at codon 374 of the TMEM43 protein (p.Leu374Pro). This variant is not present in population databases (gnomAD no frequency). This variant has not been reported in the literature in individuals affected with TMEM43-related conditions. ClinVar contains an entry for this variant (Variation ID: 1493844). Algorithms developed to predict the effect of missense changes on protein structure and function (SIFT, PolyPhen-2, Align-GVGD) all suggest that this variant is likely to be disruptive. In summary, the available evidence is currently insufficient to determine the role of this variant in disease. Therefore, it has been classified as a Variant of Uncertain Significance.

NM_024334.3(TMEM43):c.1121T>C (p.Leu374Pro)

Gene: TMEM43 (transmembrane protein 43; plus strand). Cytogenetic location: 3p25.1.
Variant type: single nucleotide variant.
Coding change: c.1121T>C on transcript NM_024334.3 (MANE Select); coding-DNA position 1121, T replaced by C.
Protein change: p.Leu374Pro; replaces leucine 374 with proline.
Molecular consequence: missense variant.
Genome position (GRCh38, 1-based): chr3:14,141,713, T>C. VCF-style: chr3-14141713-T-C. GRCh37 (hg19) VCF-style: chr3-14183213-T-C.
Other names: c.1121T>C (NM_024334.2); short protein forms L374P.
Identifiers: ClinVar variation 1493844 (VCV001493844.7), dbSNP rs2124997342, ClinGen allele CA351536572.